The following is an entry in ClinVar:

NM_004612.4(TGFBR1):c.1048G>T (p.Ala350Ser)

Gene: TGFBR1 (transforming growth factor beta receptor 1; plus strand). Cytogenetic location: 9q22.33.
Variant type: single nucleotide variant.
Coding change: c.1048G>T on transcript NM_004612.4 (MANE Select); coding-DNA position 1048, G replaced by T.
Protein change: p.Ala350Ser; replaces alanine 350 with serine.
Molecular consequence: missense variant.
Genome position (GRCh38, 1-based): chr9:99,144,806, G>T. VCF-style: chr9-99144806-G-T. GRCh37 (hg19) VCF-style: chr9-101907088-G-T.
Other names: c.817G>T, p.Ala273Ser (NM_001130916.3); c.1060G>T, p.Ala354Ser (NM_001306210.2); short protein forms A350S, A354S, A273S.
Identifiers: ClinVar variation 935693 (VCV000935693.10), dbSNP rs1827740730, ClinGen allele CA374231456.

ClinVar aggregate classification (germline): Uncertain significance (1 of 4 stars; one submission).

Conditions:
Familial thoracic aortic aneurysm and aortic dissection (TAAD). Also called: Thoracic aortic aneurysms and dissections. Identifiers: Orphanet 91387, MedGen C4707243, MONDO:0019625.

Submission:

Labcorp Genetics (formerly Invitae), Labcorp
Classification: Uncertain significance for Familial thoracic aortic aneurysm and aortic dissection. Last evaluated: 2024-11-02. Review status: criteria provided, single submitter. Criteria: Invitae Variant Classification Sherloc (09022015). Collection method: clinical testing. Allele origin: germline.
Comment: This sequence change replaces alanine, which is neutral and non-polar, with serine, which is neutral and polar, at codon 350 of the TGFBR1 protein (p.Ala350Ser). This variant is not present in population databases (gnomAD no frequency). This variant has not been reported in the literature in individuals affected with TGFBR1-related conditions. ClinVar contains an entry for this variant (Variation ID: 935693). Invitae Evidence Modeling of protein sequence and biophysical properties (such as structural, functional, and spatial information, amino acid conservation, physicochemical variation, residue mobility, and thermodynamic stability) indicates that this missense variant is not expected to disrupt TGFBR1 protein function with a negative predictive value of 80%. In summary, the available evidence is currently insufficient to determine the role of this variant in disease. Therefore, it has been classified as a Variant of Uncertain Significance.